The following is an entry in ClinVar:

NM_006904.7(PRKDC):c.2933A>G (p.Gln978Arg)

Gene: PRKDC (protein kinase, DNA-activated, catalytic subunit; minus strand). Cytogenetic location: 8q11.21.
Variant type: single nucleotide variant.
Coding change: c.2933A>G on transcript NM_006904.7 (MANE Select); coding-DNA position 2933, A replaced by G.
Protein change: p.Gln978Arg; replaces glutamine 978 with arginine.
Molecular consequence: missense variant.
Genome position (GRCh38, 1-based): chr8:47,912,411, T>C on the plus strand (A>G on the coding strand, the complement: PRKDC is on the minus strand). VCF-style: chr8-47912411-T-C. GRCh37 (hg19) VCF-style: chr8-48824971-T-C.
Other names: c.2933A>G, p.Gln978Arg (NM_001081640.2); short protein forms Q978R.
Identifiers: ClinVar variation 1797839 (VCV001797839.2), dbSNP rs2551876634, ClinGen allele CA371158575.

ClinVar aggregate classification (germline): Uncertain significance (1 of 4 stars; one submission).

Allele frequency attached by ClinVar (database versions not stated): gnomAD exomes below 0.00001.
gnomAD v4.1: 2 of 1,572,176 alleles (0.00013%); highest among the groups gnomAD compares: Non-Finnish European, 0.00017%; no homozygotes.

Submission:

Ambry Genetics
Classification: Uncertain significance. Last evaluated: 2022-05-28. Review status: criteria provided, single submitter. Criteria: Ambry Variant Classification Scheme 2023. Collection method: clinical testing. Allele origin: germline.
Comment: The p.Q978R variant (also known as c.2933A>G), located in coding exon 25 of the PRKDC gene, results from an A to G substitution at nucleotide position 2933. The glutamine at codon 978 is replaced by arginine, an amino acid with highly similar properties. This amino acid position is conserved. In addition, the in silico prediction for this alteration is inconclusive. Since supporting evidence is limited at this time, the clinical significance of this alteration remains unclear.